The following is an entry in ClinVar:

ClinVar aggregate classification (germline): Uncertain significance (1 of 4 stars; one submission).

Conditions:
MEGF10-related myopathy (CMYO10A). Also called: Congenital myopathy 10A, severe variant. Identifiers: Orphanet 439212, MedGen C3280679, MONDO:0013731, OMIM 614399.

Allele frequency attached by ClinVar (database versions not stated): gnomAD 0.00001.
gnomAD v4.1: 4 of 1,613,262 alleles (0.00025%); highest among the groups gnomAD compares: Middle Eastern, 0.034%; no homozygotes.

Submission:

Labcorp Genetics (formerly Invitae), Labcorp
Classification: Uncertain significance for Myopathy, areflexia, respiratory distress, and dysphagia, early-onset. Last evaluated: 2019-01-07. Review status: criteria provided, single submitter. Criteria: Invitae Variant Classification Sherloc (09022015). Collection method: clinical testing. Allele origin: germline.
Comment: This sequence change replaces glutamic acid with lysine at codon 992 of the MEGF10 protein (p.Glu992Lys). The glutamic acid residue is highly conserved and there is a small physicochemical difference between glutamic acid and lysine. This variant is not present in population databases (ExAC no frequency). This variant has not been reported in the literature in individuals with MEGF10-related disease. Algorithms developed to predict the effect of missense changes on protein structure and function are either unavailable or do not agree on the potential impact of this missense change (SIFT: "Deleterious"; PolyPhen-2: "Benign"; Align-GVGD: "Class C0"). In summary, the available evidence is currently insufficient to determine the role of this variant in disease. Therefore, it has been classified as a Variant of Uncertain Significance.

NM_001256545.2(MEGF10):c.2974G>A (p.Glu992Lys)

Gene: MEGF10 (multiple EGF like domains 10; plus strand). Cytogenetic location: 5q23.2.
Variant type: single nucleotide variant.
Coding change: c.2974G>A on transcript NM_001256545.2 (MANE Select); coding-DNA position 2974, G replaced by A.
Protein change: p.Glu992Lys; replaces glutamic acid 992 with lysine.
Molecular consequence: missense variant.
Genome position (GRCh38, 1-based): chr5:127,449,216, G>A. VCF-style: chr5-127449216-G-A. GRCh37 (hg19) VCF-style: chr5-126784908-G-A.
Other names: c.2974G>A, p.Glu992Lys (NM_032446.3); short protein forms E992K.
Identifiers: ClinVar variation 646372 (VCV000646372.2), dbSNP rs753902803, ClinGen allele CA360735585.
Genomic context (GRCh38, chr5:127,449,216, plus strand): 5'-CCTGTGGGGGACTGCACTGGGACATTGCCGGCTGACTGGAAACATGGCGGCTACCTCAAC[G>A]AGCTCGGTGAGTTCTCCCAACGCACGTCCCCAGAAGCACCTTGACCTGTCAGTCCCTGAA-3'
Protein context (NP_001243474.1, residues 982-1002): ADWKHGGYLN[Glu992Lys]LGAFGLDRSY